The following is an entry in ClinVar:

NM_205836.3(FBXO38):c.3462T>G (p.Ile1154Met)

Gene: FBXO38 (F-box protein 38; plus strand). Cytogenetic location: 5q32.
Variant type: single nucleotide variant.
Coding change: c.3462T>G on transcript NM_205836.3 (MANE Select); coding-DNA position 3462, T replaced by G.
Protein change: p.Ile1154Met; replaces isoleucine 1154 with methionine.
Molecular consequence: missense variant.
Genome position (GRCh38, 1-based): chr5:148,442,042, T>G. VCF-style: chr5-148442042-T-G. GRCh37 (hg19) VCF-style: chr5-147821605-T-G.
Other names: c.2727T>G, p.Ile909Met (NM_001271723.2); c.3237T>G, p.Ile1079Met (NM_030793.5); short protein forms I1079M, I1154M, I909M.
Identifiers: ClinVar variation 3652494 (VCV003652494.2).

ClinVar aggregate classification (germline): Uncertain significance (1 of 4 stars; one submission).

Conditions:
Distal hereditary motor neuropathy type 2. Identifiers: Orphanet 139525, MedGen C3711384, MeSH C580044, MONDO:0015352.

gnomAD v4.1: 2 of 1,614,014 alleles (0.00012%); highest among the groups gnomAD compares: Non-Finnish European, 0.00017%; no homozygotes.

Submission:

Labcorp Genetics (formerly Invitae), Labcorp
Classification: Uncertain significance for Distal hereditary motor neuropathy type 2. Last evaluated: 2025-01-13. Review status: criteria provided, single submitter. Criteria: Invitae Variant Classification Sherloc (09022015). Collection method: clinical testing. Allele origin: germline.
Comment: This sequence change replaces isoleucine, which is neutral and non-polar, with methionine, which is neutral and non-polar, at codon 1079 of the FBXO38 protein (p.Ile1079Met). This variant is not present in population databases (gnomAD no frequency). This variant has not been reported in the literature in individuals affected with FBXO38-related conditions. An algorithm developed to predict the effect of missense changes on protein structure and function (PolyPhen-2) suggests that this variant is likely to be disruptive. In summary, the available evidence is currently insufficient to determine the role of this variant in disease. Therefore, it has been classified as a Variant of Uncertain Significance.